The following is an entry in ClinVar:

NM_003482.4(KMT2D):c.15902_15903del (p.Val5301fs)

Gene: KMT2D (lysine methyltransferase 2D; minus strand). Cytogenetic location: 12q13.12.
Variant type: Deletion.
Coding change: c.15902_15903del on transcript NM_003482.4 (MANE Select); coding-DNA positions 15902 to 15903, 2 bases deleted (TG; older notation c.15902_15903delTG).
Protein change: p.Val5301fs; shifts the reading frame from valine 5301.
Molecular consequence: frameshift variant.
Genome position (GRCh38, 1-based): chr12:49,024,828-49,024,829, CA deleted on the plus strand (TG on the coding strand, the reverse complement: KMT2D is on the minus strand); deleting any 2 consecutive bases within chr12:49,024,828-49,024,830 gives the same sequence; the c. name uses the placement nearest the transcript's 3' end. VCF-style (leftmost placement, unchanged base first): chr12-49024827-GCA-G. GRCh37 (hg19) VCF-style: chr12-49418610-GCA-G.
Other names: short protein forms V5301fs.
Identifiers: ClinVar variation 561046 (VCV000561046.2), dbSNP rs1565756561, ClinGen allele CA658823374.
Genomic context (GRCh38, chr12:49,024,827, plus strand): 5'-CTCAGTGCCCGCCAAGCCCCCCAGCTCCCAGCCCCTTCCTTACTGATTCAGCTATGCGAA[GCA>G]CGGCATGCACCGTCAGCCCAAAGAGCTCCTCGCCCTTCAGATACTCAGGGAAGAGTCGCA-3'

ClinVar aggregate classification (germline): Pathogenic (1 of 4 stars; one submission).

Conditions:
Kabuki syndrome 1 (KABUK1). Also called: KMT2D-Related Kabuki Syndrome. Identifiers: Orphanet 2322, MedGen CN030661, MONDO:0007843, OMIM 147920.

Submission:

Baylor Genetics
Classification: Pathogenic for Kabuki syndrome 1. Last evaluated: 2017-09-01. Review status: criteria provided, single submitter. Criteria: ACMG Guidelines, 2015. Collection method: clinical testing. Allele origin: de novo. Inheritance: Autosomal dominant inheritance. Affected: yes.

Literature cited by the submitters: PubMed 25326635.